The following is an entry in ClinVar:

ClinVar aggregate classification (germline): Uncertain significance. Review status: criteria provided, multiple submitters, no conflicts (2 of 4 stars). 2 submissions from 2 submitters: Uncertain significance (2). Last evaluated 2025-03-27.

Conditions:
Idiopathic generalized epilepsy. Also called: EIG; Generalised epilepsy. Identifiers: MedGen C0270850, MONDO:0005579, OMIM 600669.

Allele frequency attached by ClinVar (database versions not stated): gnomAD 0.00001; TOPMed 0.00001.
gnomAD v4.1: 62 of 1,521,698 alleles (0.0041%); highest among the groups gnomAD compares: Admixed American, 0.0065%; no homozygotes.

Submissions (2):

Ambry Genetics
Classification: Uncertain significance. Last evaluated: 2025-03-27. Review status: criteria provided, single submitter. Criteria: Ambry Variant Classification Scheme 2023. Collection method: clinical testing. Allele origin: germline.

Labcorp Genetics (formerly Invitae), Labcorp
Classification: Uncertain significance for Idiopathic generalized epilepsy. Last evaluated: 2024-10-14. Review status: criteria provided, single submitter. Criteria: Invitae Variant Classification Sherloc (09022015). Collection method: clinical testing. Allele origin: germline.
Comment: This sequence change replaces alanine, which is neutral and non-polar, with valine, which is neutral and non-polar, at codon 79 of the RBFOX3 protein (p.Ala79Val). The frequency data for this variant in the population databases is considered unreliable, as metrics indicate poor data quality at this position in the gnomAD database. This variant has not been reported in the literature in individuals affected with RBFOX3-related conditions. ClinVar contains an entry for this variant (Variation ID: 1027150). Invitae Evidence Modeling of protein sequence and biophysical properties (such as structural, functional, and spatial information, amino acid conservation, physicochemical variation, residue mobility, and thermodynamic stability) indicates that this missense variant is not expected to disrupt RBFOX3 protein function with a negative predictive value of 80%. In summary, the available evidence is currently insufficient to determine the role of this variant in disease. Therefore, it has been classified as a Variant of Uncertain Significance.

NM_001350451.2(RBFOX3):c.236C>T (p.Ala79Val)

Gene: RBFOX3 (RNA binding fox-1 homolog 3; minus strand). Cytogenetic location: 17q25.3.
Variant type: single nucleotide variant.
Coding change: c.236C>T on transcript NM_001350451.2 (MANE Select); coding-DNA position 236, C replaced by T.
Protein change: p.Ala79Val; replaces alanine 79 with valine.
Molecular consequence: missense variant.
Genome position (GRCh38, 1-based): chr17:79,106,775, G>A on the plus strand (C>T on the coding strand, the complement: RBFOX3 is on the minus strand). VCF-style: chr17-79106775-G-A. GRCh37 (hg19) VCF-style: chr17-77102857-G-A.
Other names: c.236C>T, p.Ala79Val (NM_001385810.1, NM_001385811.1, NM_001385812.1 and 36 more transcripts); c.233C>T, p.Ala78Val (NM_001385822.1, NM_001385823.1, NM_001385843.1 and 4 more transcripts); c.236C>T (NM_001082575.1); short protein forms A78V, A79V.
Identifiers: ClinVar variation 1027150 (VCV001027150.10), dbSNP rs776016743, ClinGen allele CA401317779.
Genomic context (GRCh38, chr17:79,106,775, plus strand): 5'-TTGGGCTGCTGCTTCTCTGTAGGGTCGGAGGGGTGGAGCGGCTGGCTGTCCGTCTGTGCC[G>A]CCTCGTCTGTCTGCTGCAGGGAGAGGACTGGGCTGTGGAGGCTGCCTCTGTGTGCGGGGT-3'
Protein context (NP_001337380.1, residues 69-89): GTQTVPQTDE[Ala79Val]AQTDSQPLHP